The following is an entry in ClinVar:

NM_004985.5(KRAS):c.556G>A (p.Val186Ile)

Gene: KRAS (KRAS proto-oncogene, GTPase; minus strand). Cytogenetic location: 12p12.1.
Variant type: single nucleotide variant.
Coding change: c.556G>A on transcript NM_004985.5 (MANE Select); coding-DNA position 556, G replaced by A.
Protein change: p.Val186Ile; replaces valine 186 with isoleucine.
Molecular consequence: missense variant. On other transcripts: 3 prime UTR variant (2).
Genome position (GRCh38, 1-based): chr12:25,209,806, C>T on the plus strand (G>A on the coding strand, the complement: KRAS is on the minus strand). VCF-style: chr12-25209806-C-T. GRCh37 (hg19) VCF-style: chr12-25362740-C-T.
Other names: c.*110G>A (NM_001369786.1, NM_033360.4); c.556G>A, p.Val186Ile (NM_001369787.1); short protein forms V186I.
Identifiers: ClinVar variation 2818268 (VCV002818268.3), dbSNP rs1432921036, ClinGen allele CA384148299.

ClinVar aggregate classification (germline): Uncertain significance (1 of 4 stars; one submission).

Conditions:
RASopathy. Also called: Noonan spectrum disorder; rasopathies. Identifiers: Orphanet 536391, MedGen C5555857, MONDO:0021060.

Allele frequency attached by ClinVar (database versions not stated): TOPMed below 0.00001.
gnomAD v4.1: 3 of 1,607,834 alleles (0.00019%); highest among the groups gnomAD compares: Admixed American, 0.005%; no homozygotes.

Submission:

Labcorp Genetics (formerly Invitae), Labcorp
Classification: Uncertain significance for RASopathy. Last evaluated: 2023-04-09. Review status: criteria provided, single submitter. Criteria: Invitae Variant Classification Sherloc (09022015). Collection method: clinical testing. Allele origin: germline.
Comment: Advanced modeling of protein sequence and biophysical properties (such as structural, functional, and spatial information, amino acid conservation, physicochemical variation, residue mobility, and thermodynamic stability) performed at Invitae indicates that this missense variant is not expected to disrupt KRAS protein function. This variant has not been reported in the literature in individuals affected with KRAS-related conditions. This variant is present in population databases (no rsID available, gnomAD 0.009%). In summary, the available evidence is currently insufficient to determine the role of this variant in disease. Therefore, it has been classified as a Variant of Uncertain Significance. Algorithms developed to predict the effect of sequence changes on RNA splicing suggest that this variant may disrupt the consensus splice site. This sequence change replaces valine, which is neutral and non-polar, with isoleucine, which is neutral and non-polar, at codon 186 of the KRAS protein (p.Val186Ile).